The following is an entry in ClinVar:

ClinVar aggregate classification (germline): Uncertain significance (1 of 4 stars; one submission).

Allele frequency attached by ClinVar (database versions not stated): ExAC 0.00003; gnomAD 0.00005 and 0.00006; gnomAD exomes 0.00005 and 0.00010; TOPMed 0.00008; ESP Exome Variant Server 0.00017.
gnomAD v4.1: 154 of 1,613,328 alleles (0.0095%); highest among the groups gnomAD compares: Non-Finnish European, 0.013%; no homozygotes.

Submission:

Labcorp Genetics (formerly Invitae), Labcorp
Classification: Uncertain significance. Last evaluated: 2024-11-11. Review status: criteria provided, single submitter. Criteria: Invitae Variant Classification Sherloc (09022015). Collection method: clinical testing. Allele origin: germline.
Comment: This sequence change replaces glutamic acid, which is acidic and polar, with lysine, which is basic and polar, at codon 1652 of the PCLO protein (p.Glu1652Lys). This variant is present in population databases (rs200555866, gnomAD 0.009%). This variant has not been reported in the literature in individuals affected with PCLO-related conditions. ClinVar contains an entry for this variant (Variation ID: 1425810). Experimental studies and prediction algorithms are not available or were not evaluated, and the functional significance of this variant is currently unknown. In summary, the available evidence is currently insufficient to determine the role of this variant in disease. Therefore, it has been classified as a Variant of Uncertain Significance.

NM_033026.6(PCLO):c.4954G>A (p.Glu1652Lys)

Gene: PCLO (piccolo presynaptic cytomatrix protein; minus strand). Cytogenetic location: 7q21.11.
Variant type: single nucleotide variant.
Coding change: c.4954G>A on transcript NM_033026.6 (MANE Select); coding-DNA position 4954, G replaced by A.
Protein change: p.Glu1652Lys; replaces glutamic acid 1652 with lysine.
Molecular consequence: missense variant.
Genome position (GRCh38, 1-based): chr7:82,955,999, C>T on the plus strand (G>A on the coding strand, the complement: PCLO is on the minus strand). VCF-style: chr7-82955999-C-T. GRCh37 (hg19) VCF-style: chr7-82585315-C-T.
Other names: c.4954G>A, p.Glu1652Lys (NM_014510.3); short protein forms E1652K.
Identifiers: ClinVar variation 1425810 (VCV001425810.4), dbSNP rs200555866, ClinGen allele CA4320733.